The following is an entry in ClinVar:

NM_001378183.1(PIEZO2):c.1835C>T (p.Ala612Val)

Gene: PIEZO2 (piezo type mechanosensitive ion channel component 2; minus strand). Cytogenetic location: 18p11.22.
Variant type: single nucleotide variant.
Coding change: c.1835C>T on transcript NM_001378183.1 (MANE Select); coding-DNA position 1835, C replaced by T.
Protein change: p.Ala612Val; replaces alanine 612 with valine.
Molecular consequence: missense variant.
Genome position (GRCh38, 1-based): chr18:10,791,248, G>A on the plus strand (C>T on the coding strand, the complement: PIEZO2 is on the minus strand). VCF-style: chr18-10791248-G-A. GRCh37 (hg19) VCF-style: chr18-10791246-G-A.
Other names: c.1835C>T, p.Ala612Val (NM_001410871.1, NM_022068.4); short protein forms A612V.
Identifiers: ClinVar variation 4688285 (VCV004688285.1).

ClinVar aggregate classification (germline): Uncertain significance (1 of 4 stars; one submission).

Submission:

Women's Health and Genetics/Laboratory Corporation of America, LabCorp
Classification: Uncertain significance. Last evaluated: 2025-12-30. Review status: criteria provided, single submitter. Criteria: LabCorp Variant Classification Summary - May 2015. Collection method: clinical testing. Allele origin: germline.
Comment: Variant summary: PIEZO2 c.1835C>T (p.Ala612Val) results in a non-conservative amino acid change in the encoded protein sequence. Algorithms developed to predict the effect of missense changes on protein structure and function are either unavailable or do not agree on the potential impact of this missense change. The variant allele was found at a frequency of 7.1e-06 in 141400 control chromosomes. The available data on variant occurrences in the general population are insufficient to allow any conclusion about variant significance. To our knowledge, no occurrence of c.1835C>T in individuals affected with PIEZO2-related conditions and no experimental evidence demonstrating its impact on protein function have been reported. No submitters have cited clinical-significance assessments for this variant to ClinVar. Based on the evidence outlined above, the variant was classified as uncertain significance.